The following is an entry in ClinVar:

ClinVar aggregate classification (germline): Uncertain significance (1 of 4 stars; one submission).

Submission:

Labcorp Genetics (formerly Invitae), Labcorp
Classification: Uncertain significance. Last evaluated: 2024-04-10. Review status: criteria provided, single submitter. Criteria: Invitae Variant Classification Sherloc (09022015). Collection method: clinical testing. Allele origin: germline.
Comment: This sequence change replaces glutamic acid, which is acidic and polar, with glutamine, which is neutral and polar, at codon 259 of the IKZF1 protein (p.Glu259Gln). This variant is not present in population databases (gnomAD no frequency). This variant has not been reported in the literature in individuals affected with IKZF1-related conditions. An algorithm developed to predict the effect of missense changes on protein structure and function (PolyPhen-2) suggests that this variant is likely to be tolerated. In summary, the available evidence is currently insufficient to determine the role of this variant in disease. Therefore, it has been classified as a Variant of Uncertain Significance.

NM_006060.6(IKZF1):c.775G>C (p.Glu259Gln)

Gene: IKZF1 (IKAROS family zinc finger 1; plus strand). Cytogenetic location: 7p12.2.
Variant type: single nucleotide variant.
Coding change: c.775G>C on transcript NM_006060.6 (MANE Select); coding-DNA position 775, G replaced by C.
Protein change: p.Glu259Gln; replaces glutamic acid 259 with glutamine.
Molecular consequence: missense variant. On other transcripts: intron variant (3).
Genome position (GRCh38, 1-based): chr7:50,391,788, G>C. VCF-style: chr7-50391788-G-C. GRCh37 (hg19) VCF-style: chr7-50459486-G-C.
Other names: c.649G>C, p.Glu217Gln (NM_001220765.3, NM_001291837.2); c.514G>C, p.Glu172Gln (NM_001220767.2, NM_001291838.2); c.388G>C, p.Glu130Gln (NM_001220770.2, NM_001291839.2); c.346G>C, p.Glu116Gln (NM_001291841.1, NM_001291842.1); c.220G>C, p.Glu74Gln (NM_001291843.1, NM_001291844.1); c.835G>C, p.Glu279Gln (NM_001410879.1); c.590-8130G>C (NM_001220768.2); c.422-8130G>C (NM_001220771.2); and 1 more; short protein forms E217Q, E172Q, E259Q, E279Q, E116Q, E130Q, E74Q.
Identifiers: ClinVar variation 3649504 (VCV003649504.2).